The following is an entry in ClinVar:

ClinVar aggregate classification (germline): Pathogenic (1 of 4 stars; one submission).

Conditions:
Spastic paraplegia. Identifiers: MedGen C0037772, HP:0001258.

Allele frequency attached by ClinVar (database versions not stated): gnomAD exomes below 0.00001.
gnomAD v4.1: 1 of 1,613,750 alleles (0.000062%); highest among the groups gnomAD compares: Non-Finnish European, 0.000085%; no homozygotes.

Submission:

Labcorp Genetics (formerly Invitae), Labcorp
Classification: Pathogenic for Spastic paraplegia. Last evaluated: 2021-09-05. Review status: criteria provided, single submitter. Criteria: Invitae Variant Classification Sherloc (09022015). Collection method: clinical testing. Allele origin: germline.
Comment: For these reasons, this variant has been classified as Pathogenic. This variant disrupts a region of the SACS protein in which other variant(s) (p.Tyr4538*) have been determined to be pathogenic (Invitae). This suggests that this is a clinically significant region of the protein, and that variants that disrupt it are likely to be disease-causing. This variant has not been reported in the literature in individuals affected with SACS-related conditions. This variant is not present in population databases (ExAC no frequency). This sequence change creates a premature translational stop signal (p.Glu2419*) in the SACS gene. While this is not anticipated to result in nonsense mediated decay, it is expected to disrupt the last 2161 amino acid(s) of the SACS protein.

NM_014363.6(SACS):c.7255G>T (p.Glu2419Ter)

Gene: SACS (sacsin molecular chaperone; minus strand). Cytogenetic location: 13q12.12.
Variant type: single nucleotide variant.
Coding change: c.7255G>T on transcript NM_014363.6 (MANE Select); coding-DNA position 7255, G replaced by T.
Protein change: p.Glu2419Ter; replaces glutamic acid 2419 with a stop codon.
Molecular consequence: nonsense.
Genome position (GRCh38, 1-based): chr13:23,336,621, C>A on the plus strand (G>T on the coding strand, the complement: SACS is on the minus strand). VCF-style: chr13-23336621-C-A. GRCh37 (hg19) VCF-style: chr13-23910760-C-A.
Other names: c.6814G>T, p.Glu2272Ter (NM_001278055.2); short protein forms E2272*, E2419*.
Identifiers: ClinVar variation 1435423 (VCV001435423.6), dbSNP rs2137602329, ClinGen allele CA387519702.